The following is an entry in ClinVar:

ClinVar aggregate classification (germline): Uncertain significance (1 of 4 stars; one submission).

gnomAD v4.1: 1 of 1,612,886 alleles (0.000062%); highest among the groups gnomAD compares: Non-Finnish European, 0.000085%; no homozygotes.

Submission:

GeneDx
Classification: Uncertain significance. Last evaluated: 2025-07-10. Review status: criteria provided, single submitter. Criteria: GeneDx Variant Classification Process June 2021. Collection method: clinical testing. Allele origin: germline.
Comment: Not observed at significant frequency in large population cohorts (gnomAD); In silico analysis supports that this missense variant has a deleterious effect on protein structure/function; Has not been previously published as pathogenic or benign to our knowledge; Variants in candidate genes are classified as variants of uncertain significance in accordance with ACMG guidelines (PMID: 25741868)

NM_006016.6(CD164):c.187G>T (p.Gly63Cys)

Gene: CD164 (CD164 molecule; minus strand). Cytogenetic location: 6q21.
Variant type: single nucleotide variant.
Coding change: c.187G>T on transcript NM_006016.6 (MANE Select); coding-DNA position 187, G replaced by T.
Protein change: p.Gly63Cys; replaces glycine 63 with cysteine.
Molecular consequence: missense variant.
Genome position (GRCh38, 1-based): chr6:109,379,651, C>A on the plus strand (G>T on the coding strand, the complement: CD164 is on the minus strand). VCF-style: chr6-109379651-C-A. GRCh37 (hg19) VCF-style: chr6-109700854-C-A.
Other names: c.187G>T, p.Gly63Cys (NM_001142401.3, NM_001142402.3, NM_001142403.3 and 1 more transcripts); c.85G>T, p.Gly29Cys (NM_001346500.2); short protein forms G29C, G63C.
Identifiers: ClinVar variation 4975162 (VCV004975162.1).
Genomic context (GRCh38, chr6:109,379,651, plus strand): 5'-TCCAAAAGCAGGTAGTATTAACAACGCTAACATTAAAACAGGAAACGCAGCTGTTTCGAC[C>A]TTCACAGGTTTCTGGGGAGTTGGGGGGAGAGATGCATGAAATCAATGATTTTATTAGTAT-3'
Protein context (NP_006007.2, residues 53-73): VTTPAPETCE[Gly63Cys]RNSCVSCFNV